The following is an entry in ClinVar:

ClinVar aggregate classification (germline): Uncertain significance (1 of 4 stars; one submission).

gnomAD v4.1: 2 of 1,614,034 alleles (0.00012%); highest among the groups gnomAD compares: Non-Finnish European, 0.00017%; no homozygotes.

Submission:

Mayo Clinic Laboratories, Mayo Clinic
Classification: Uncertain significance. Last evaluated: 2024-02-13. Review status: criteria provided, single submitter. Criteria: ACMG Guidelines, 2015. Collection method: clinical testing. Allele origin: germline. Observed: 1 variant allele.
Comment: BP4, PM2

NM_144687.4(NLRP12):c.2408T>C (p.Met803Thr)

Gene: NLRP12 (NLR family pyrin domain containing 12; minus strand). Cytogenetic location: 19q13.42.
Variant type: single nucleotide variant.
Coding change: c.2408T>C on transcript NM_144687.4 (MANE Select); coding-DNA position 2408, T replaced by C.
Protein change: p.Met803Thr; replaces methionine 803 with threonine.
Molecular consequence: missense variant.
Genome position (GRCh38, 1-based): chr19:53,805,286, A>G on the plus strand (T>C on the coding strand, the complement: NLRP12 is on the minus strand). VCF-style: chr19-53805286-A-G. GRCh37 (hg19) VCF-style: chr19-54308540-A-G.
Other names: p.Met803Thr; c.2411T>C, p.Met804Thr (NM_001277126.2); c.2408T>C, p.Met803Thr (NM_001277129.1); short protein forms M803T, M804T.
Identifiers: ClinVar variation 3380637 (VCV003380637.1).